The following is an entry in ClinVar:

ClinVar aggregate classification (germline): Uncertain significance (1 of 4 stars; one submission).

Conditions:
Spastic paraplegia. Identifiers: MedGen C0037772, HP:0001258.

Allele frequency attached by ClinVar (database versions not stated): ExAC 0.00001; TOPMed 0.00001; gnomAD exomes 0.00002; gnomAD 0.00003; ESP Exome Variant Server 0.00008.
gnomAD v4.1: 29 of 1,613,986 alleles (0.0018%); highest among the groups gnomAD compares: Non-Finnish European, 0.0023%; no homozygotes.

Submission:

Labcorp Genetics (formerly Invitae), Labcorp
Classification: Uncertain significance for Spastic paraplegia. Last evaluated: 2022-08-10. Review status: criteria provided, single submitter. Criteria: Invitae Variant Classification Sherloc (09022015). Collection method: clinical testing. Allele origin: germline.
Comment: This sequence change replaces serine, which is neutral and polar, with asparagine, which is neutral and polar, at codon 1042 of the ZFYVE26 protein (p.Ser1042Asn). This variant is present in population databases (rs368740560, gnomAD 0.004%). This variant has not been reported in the literature in individuals affected with ZFYVE26-related conditions. Algorithms developed to predict the effect of missense changes on protein structure and function (SIFT, PolyPhen-2, Align-GVGD) all suggest that this variant is likely to be tolerated. In summary, the available evidence is currently insufficient to determine the role of this variant in disease. Therefore, it has been classified as a Variant of Uncertain Significance.

NM_015346.4(ZFYVE26):c.3125G>A (p.Ser1042Asn)

Gene: ZFYVE26 (zinc finger FYVE-type containing 26; minus strand). Cytogenetic location: 14q24.1.
Variant type: single nucleotide variant.
Coding change: c.3125G>A on transcript NM_015346.4 (MANE Select); coding-DNA position 3125, G replaced by A.
Protein change: p.Ser1042Asn; replaces serine 1042 with asparagine.
Molecular consequence: missense variant.
Genome position (GRCh38, 1-based): chr14:67,786,128, C>T on the plus strand (G>A on the coding strand, the complement: ZFYVE26 is on the minus strand). VCF-style: chr14-67786128-C-T. GRCh37 (hg19) VCF-style: chr14-68252845-C-T.
Other names: short protein forms S1042N.
Identifiers: ClinVar variation 2419437 (VCV002419437.3), dbSNP rs368740560, ClinGen allele CA7240075.